The following is an entry in ClinVar:

ClinVar aggregate classification (germline): Uncertain significance (1 of 4 stars; one submission).

Conditions:
Lymphatic malformation 7 (LMPHM7). Also called: Hydrops fetalis, nonimmune, and/or atrial septal defect, susceptibility to. Identifiers: MedGen C4310629, MONDO:0015009, OMIM 617300.
Capillary malformation-arteriovenous malformation 2 (CMAVM2). Identifiers: Orphanet 693912, MedGen C4748670, MONDO:0020785, OMIM 618196.

Submission:

Clinical Genomics Laboratory, Washington University in St. Louis
Classification: Uncertain significance for Capillary malformation-arteriovenous malformation 2; Lymphatic malformation 7. Last evaluated: 2026-04-10. Review status: criteria provided, single submitter. Criteria: Leon-Quintero et al. (Clin Genet. 2025). Collection method: clinical testing. Allele origin: somatic.
Comment: An EPHB4 c.2225C>T (p.Ala742Val) variant was identified at an allelic fraction consistent with somatic origin. This variant has been reported in a case of squamous cell carcinoma of the lung (Ferguson BD et al., PMID: 26073592), but to our knowledge, it has not been reported in the medical literature in individuals with vascular malformations. It is absent from the general population (gnomAD v4.1.1), indicating it is not a common variant. Computational predictors indicate that the variant is damaging, evidence that correlates with impact on EPHB4 function. Due to limited information, and based on internally developed protocol informed by the ACMG/AMP guidelines for variant interpretation and gene-specific practices from the ClinGen Criteria Specification Registry (Leon-Quintero FZ et al., PMID: 39434542), the clinical significance of the EPHB4 c.2225C>T (p.Ala742Val) is uncertain at this time.

NM_004444.5(EPHB4):c.2225C>T (p.Ala742Val)

Gene: EPHB4 (EPH receptor B4; minus strand). Cytogenetic location: 7q22.1.
Variant type: single nucleotide variant.
Coding change: c.2225C>T on transcript NM_004444.5 (MANE Select); coding-DNA position 2225, C replaced by T.
Protein change: p.Ala742Val; replaces alanine 742 with valine.
Molecular consequence: missense variant.
Genome position (GRCh38, 1-based): chr7:100,807,474, G>A on the plus strand (C>T on the coding strand, the complement: EPHB4 is on the minus strand). VCF-style: chr7-100807474-G-A. GRCh37 (hg19) VCF-style: chr7-100405096-G-A.
Other names: short protein forms A742V.
Identifiers: ClinVar variation 4974579 (VCV004974579.1).